The following is an entry in ClinVar:

NM_005215.4(DCC):c.3073C>T (p.Arg1025Ter)

Gene: DCC (DCC netrin 1 receptor; plus strand). Cytogenetic location: 18q21.2.
Variant type: single nucleotide variant.
Coding change: c.3073C>T on transcript NM_005215.4 (MANE Select); coding-DNA position 3073, C replaced by T.
Protein change: p.Arg1025Ter; replaces arginine 1025 with a stop codon.
Molecular consequence: nonsense.
Genome position (GRCh38, 1-based): chr18:53,410,589, C>T. VCF-style: chr18-53410589-C-T. GRCh37 (hg19) VCF-style: chr18-50936959-C-T.
Other names: short protein forms R1025*.
Identifiers: ClinVar variation 1027397 (VCV001027397.3), dbSNP rs1909920586, ClinGen allele CA402473157.
Genomic context (GRCh38, chr18:53,410,589, plus strand): 5'-CTTACTCATCAAATCATGGATCTCAACCTTGATACTATGTATTACTTTCGAATTCAAGCA[C>T]GAAATTCAAAAGGAGTGGGGCCACTCTCTGATCCTATCCTCTTCAGGACTCTGAAAGGTT-3'

ClinVar aggregate classification (germline): Pathogenic/Likely pathogenic. Review status: criteria provided, multiple submitters, no conflicts (2 of 4 stars). 3 submissions from 3 submitters: Pathogenic (1); Likely pathogenic (1). 1 of the submissions does not count toward it. Last evaluated 2026-01-14.

Conditions:
Mirror movements 1 (MRMV1). Identifiers: Orphanet 238722, MedGen C1834870, OMIM 157600, MONDO:0008002.

Submissions (3):

Variantyx, Inc.
Classification: Pathogenic for Mirror movements 1. Last evaluated: 2026-01-14. Review status: criteria provided, single submitter. Criteria: Variantyx Assertion Criteria 2022. Collection method: clinical testing. Allele origin: germline. Inheritance: Autosomal dominant inheritance. Affected: yes.
Comment: This is a nonsense variant in the DCC gene (OMIM: 120470). Pathogenic variants in this gene have been associated with autosomal dominant mirror movements 1 and/or agenesis of the corpus callosum. This variant introduces a premature termination codon in exon 20 out of 29 and is expected to result in loss of function, which is a known disease mechanism for DCC in this disorder (PMID: 34974531, 24808016) (PVS1). This variant has been reported in at least 2 unrelated affected individuals (PMID: 34974531, 38314870) (PS4_Moderate), while it is absent from control populations (PM2). Based on the current evidence, this variant is classified as pathogenic for autosomal dominant mirror movements 1 and/or agenesis of the corpus callosum. Inheritance from an unaffected or mildly affected parent has been reported in the DCC gene, consistent with incomplete penetrance and/or variable expressivity (PMID: 28250454, 32060908).

GeneDx
Classification: Likely pathogenic. Last evaluated: 2025-04-27. Review status: criteria provided, single submitter. Criteria: GeneDx Variant Classification Process June 2021. Collection method: clinical testing. Allele origin: germline. Affected: yes.
Comment: Identified in a fetus with agenesis of the corpus callosum (PMID: 34974531); Identified in a patient with congenital mirror movements (PMID: 38314870); Nonsense variant predicted to result in protein truncation or nonsense mediated decay in a gene for which loss of function is a known mechanism of disease; Not observed in large population cohorts (gnomAD); This variant is associated with the following publications: (PMID: 34974531, 38314870)

Institute of Medical Genetics, Medical University of Vienna
Classification: Pathogenic for Mirror movements 1. Last evaluated: 2021-03-10. Review status: no assertion criteria provided. Collection method: clinical testing. Allele origin: maternal. Affected: yes. Not counted in ClinVar's aggregate classification.

Literature cited by the submitters: PubMed 34974531 (cited by Variantyx, Inc.); PubMed 38314870 (cited by Variantyx, Inc.).